The following is an entry in ClinVar:

ClinVar aggregate classification (germline): Uncertain significance (1 of 4 stars; one submission).

Conditions:
Atypical hemolytic-uremic syndrome. Identifiers: Orphanet 2134, MedGen C2931788, MONDO:0016244.
Basal laminar drusen. Also called: DRUSEN OF BRUCH MEMBRANE; DRUSEN, CUTICULAR; DRUSEN, EARLY ADULT-ONSET, GROUPED. Identifiers: Orphanet 75376, MedGen C0730295, MONDO:0007472, OMIM 126700.
Factor H deficiency (CFHD). Also called: COMPLEMENT FACTOR H DEFICIENCY; CFH DEFICIENCY. Identifiers: Orphanet 200421, MedGen C0398777, MONDO:0012350, OMIM 609814.
Age related macular degeneration 4. Identifiers: MedGen C1853147, MONDO:0012540, OMIM 610698.

gnomAD v4.1: 2 of 1,612,996 alleles (0.00012%); highest among the groups gnomAD compares: African/African-American, 0.0013%; no homozygotes.

Submission:

Genomenon, Inc
Classification: Uncertain significance for Basal laminar drusen; Age related macular degeneration 4; Atypical hemolytic-uremic syndrome; Factor H deficiency. Last evaluated: 2025-10-02. Review status: criteria provided, single submitter. Criteria: Genomenon Sequence Variant Interpretation Standards - Updated. Collection method: curation. Allele origin: germline. Affected: no.
Comment: CFH p.Ala151Thr (c.451G>A) is a missense variant that changes the amino acid at residue 151 from Alanine to Threonine. This variant has been reported in the published literature (PMID:34189567). It is absent or not present at a significant frequency in gnomAD. In silico models agree that this variant is not damaging. In conclusion, we classify CFH p.Ala151Thr (c.451G>A) as a variant of uncertain significance.

Literature cited by the submitters: PubMed 34189567.

NM_000186.4(CFH):c.451G>A (p.Ala151Thr)

Gene: CFH (complement factor H; plus strand). Cytogenetic location: 1q31.3.
Variant type: single nucleotide variant.
Coding change: c.451G>A on transcript NM_000186.4 (MANE Select); coding-DNA position 451, G replaced by A.
Protein change: p.Ala151Thr; replaces alanine 151 with threonine.
Molecular consequence: missense variant.
Genome position (GRCh38, 1-based): chr1:196,677,499, G>A. VCF-style: chr1-196677499-G-A. GRCh37 (hg19) VCF-style: chr1-196646629-G-A.
Other names: c.451G>A, p.Ala151Thr (NM_001014975.3); short protein forms A151T.
Identifiers: ClinVar variation 4291699 (VCV004291699.1).